The following is an entry in ClinVar:

NM_001369.3(DNAH5):c.8161_8162del (p.Lys2721fs)

Gene: DNAH5 (dynein axonemal heavy chain 5; minus strand). Cytogenetic location: 5p15.2.
Variant type: Deletion.
Coding change: c.8161_8162del on transcript NM_001369.3 (MANE Select); coding-DNA positions 8161 to 8162, 2 bases deleted (AA; older notation c.8161_8162delAA).
Protein change: p.Lys2721fs; shifts the reading frame from lysine 2721.
Molecular consequence: frameshift variant.
Genome position (GRCh38, 1-based): chr5:13,793,577-13,793,578, TT deleted on the plus strand (AA on the coding strand, the reverse complement: DNAH5 is on the minus strand). VCF-style (leftmost placement, unchanged base first): chr5-13793576-CTT-C. GRCh37 (hg19) VCF-style: chr5-13793685-CTT-C.
Other names: short protein forms K2721fs.
Identifiers: ClinVar variation 2817572 (VCV002817572.3), dbSNP rs2546743073, ClinGen allele CA2739274580.

ClinVar aggregate classification (germline): Pathogenic (1 of 4 stars; one submission).

Conditions:
Primary ciliary dyskinesia. Also called: Ciliary dyskinesia. Identifiers: Orphanet 244, MedGen C0008780, MONDO:0016575, HP:0012265.

Submission:

Labcorp Genetics (formerly Invitae), Labcorp
Classification: Pathogenic for Primary ciliary dyskinesia. Last evaluated: 2022-11-30. Review status: criteria provided, single submitter. Criteria: Invitae Variant Classification Sherloc (09022015). Collection method: clinical testing. Allele origin: germline.
Comment: For these reasons, this variant has been classified as Pathogenic. This variant has not been reported in the literature in individuals affected with DNAH5-related conditions. This variant is not present in population databases (gnomAD no frequency). This sequence change creates a premature translational stop signal (p.Lys2721Glufs*7) in the DNAH5 gene. It is expected to result in an absent or disrupted protein product. Loss-of-function variants in DNAH5 are known to be pathogenic (PMID: 11788826, 16627867).

Literature cited by the submitters: PubMed 11788826; PubMed 16627867.